The following is an entry in ClinVar:

NM_006389.5(HYOU1):c.2883G>T (p.Glu961Asp)

Gene: HYOU1 (hypoxia up-regulated 1; minus strand). Cytogenetic location: 11q23.3.
Variant type: single nucleotide variant.
Coding change: c.2883G>T on transcript NM_006389.5 (MANE Select); coding-DNA position 2883, G replaced by T.
Protein change: p.Glu961Asp; replaces glutamic acid 961 with aspartic acid.
Molecular consequence: missense variant.
Genome position (GRCh38, 1-based): chr11:119,046,421, C>A on the plus strand (G>T on the coding strand, the complement: HYOU1 is on the minus strand). VCF-style: chr11-119046421-C-A. GRCh37 (hg19) VCF-style: chr11-118917133-C-A.
Other names: c.2883G>T, p.Glu961Asp (NM_001130991.3); short protein forms E961D.
Identifiers: ClinVar variation 1428753 (VCV001428753.6), dbSNP rs910522501, ClinGen allele CA229616585.

ClinVar aggregate classification (germline): Uncertain significance (1 of 4 stars; one submission).

Allele frequency attached by ClinVar (database versions not stated): gnomAD exomes 0.00001; TOPMed 0.00001.
gnomAD v4.1: 18 of 1,614,056 alleles (0.0011%); highest among the groups gnomAD compares: African/African-American, 0.0027%; no homozygotes.

Submission:

Labcorp Genetics (formerly Invitae), Labcorp
Classification: Uncertain significance. Last evaluated: 2021-03-29. Review status: criteria provided, single submitter. Criteria: Invitae Variant Classification Sherloc (09022015). Collection method: clinical testing. Allele origin: germline.
Comment: In summary, the available evidence is currently insufficient to determine the role of this variant in disease. Therefore, it has been classified as a Variant of Uncertain Significance. Algorithms developed to predict the effect of missense changes on protein structure and function are either unavailable or do not agree on the potential impact of this missense change (SIFT: "Not Available"; PolyPhen-2: "Benign"; Align-GVGD: "Not Available"). This variant has not been reported in the literature in individuals with HYOU1-related conditions. This variant is not present in population databases (ExAC no frequency). This sequence change replaces glutamic acid with aspartic acid at codon 961 of the HYOU1 protein (p.Glu961Asp). The glutamic acid residue is weakly conserved and there is a small physicochemical difference between glutamic acid and aspartic acid.